The following is an entry in ClinVar:

ClinVar aggregate classification (germline): Benign/Likely benign. Review status: criteria provided, multiple submitters, no conflicts (2 of 4 stars). 6 submissions from 6 submitters: Benign (2); Likely benign (4). Last evaluated 2025-11-18.

Conditions:
Hereditary cancer-predisposing syndrome. Also called: Neoplastic Syndromes, Hereditary; Tumor predisposition; Hereditary Cancer Syndrome; Hereditary neoplastic syndrome. Identifiers: Orphanet 140162, MedGen C0027672, MeSH D009386, MONDO:0015356.
Tuberous sclerosis syndrome (TSC). Also called: Tuberous Sclerosis Complex; Tuberous sclerosis. Identifiers: Orphanet 805, MedGen C0041341, MONDO:0001734.
Tuberous sclerosis 1 (TSC1). Identifiers: Orphanet 805, MedGen C1854465, MONDO:0008612, OMIM 191100.

Allele frequency attached by ClinVar (database versions not stated): TOPMed below 0.00001; ExAC 0.00001; gnomAD exomes 0.00001.
gnomAD v4.1: 3 of 1,614,118 alleles (0.00019%); highest among the groups gnomAD compares: Non-Finnish European, 0.00025%; no homozygotes.

Submissions (6):

Labcorp Genetics (formerly Invitae), Labcorp
Classification: Likely benign for Tuberous sclerosis 1. Last evaluated: 2025-11-18. Review status: criteria provided, single submitter. Criteria: Invitae Variant Classification Sherloc (09022015). Collection method: clinical testing. Allele origin: germline.

Myriad Genetics, Inc.
Classification: Benign for Tuberous sclerosis 1. Last evaluated: 2025-04-10. Review status: criteria provided, single submitter. Criteria: Myriad Autosomal Dominant, Autosomal Recessive and X-Linked Classification Criteria (2023). Collection method: clinical testing. Allele origin: unknown.
Comment: This variant is considered benign. This variant is a silent/synonymous amino acid change and it is not expected to impact splicing.

Color Diagnostics, LLC DBA Color Health
Classification: Likely benign for Tuberous sclerosis syndrome. Last evaluated: 2022-11-06. Review status: criteria provided, single submitter. Criteria: ACMG Guidelines, 2015. Collection method: clinical testing. Allele origin: germline.

Genome-Nilou Lab
Classification: Benign for Tuberous sclerosis 1. Last evaluated: 2021-11-07. Review status: criteria provided, single submitter. Criteria: ACMG Guidelines, 2015. Collection method: clinical testing. Allele origin: germline. Affected: no.

GeneDx
Classification: Likely benign. Last evaluated: 2018-02-21. Review status: criteria provided, single submitter. Criteria: GeneDx Variant Classification (06012015). Collection method: clinical testing. Allele origin: germline. Affected: yes.
Comment: This variant is considered likely benign or benign based on one or more of the following criteria: it is a conservative change, it occurs at a poorly conserved position in the protein, it is predicted to be benign by multiple in silico algorithms, and/or has population frequency not consistent with disease.

Ambry Genetics
Classification: Likely benign for Hereditary cancer-predisposing syndrome. Last evaluated: 2015-10-23. Review status: criteria provided, single submitter. Criteria: Ambry Variant Classification Scheme 2023. Collection method: clinical testing. Allele origin: germline.

Literature cited by the submitters: PubMed 11068191 (cited by Ambry Genetics).

NM_000368.5(TSC1):c.1596C>T (p.Asn532=)

Gene: TSC1 (TSC complex subunit 1; minus strand). Cytogenetic location: 9q34.13.
Variant type: single nucleotide variant.
Coding change: c.1596C>T on transcript NM_000368.5 (MANE Select); coding-DNA position 1596, C replaced by T.
Protein change: p.Asn532=; no amino-acid change (asparagine 532 retained).
Molecular consequence: synonymous variant.
Genome position (GRCh38, 1-based): chr9:132,905,982, G>A on the plus strand (C>T on the coding strand, the complement: TSC1 is on the minus strand). VCF-style: chr9-132905982-G-A. GRCh37 (hg19) VCF-style: chr9-135781369-G-A.
Other names: c.1593C>T, p.Asn531= (NM_001162426.2); c.1443C>T, p.Asn481= (NM_001162427.2); c.1233C>T, p.Asn411= (NM_001362177.2).
Identifiers: ClinVar variation 515533 (VCV000515533.16), dbSNP rs759461471, ClinGen allele CA029198.